The following is an entry in ClinVar:

NM_001127222.2(CACNA1A):c.5018A>G (p.Gln1673Arg)

Gene: CACNA1A (calcium voltage-gated channel subunit alpha1 A; minus strand). Cytogenetic location: 19p13.13.
Variant type: single nucleotide variant.
Coding change: c.5018A>G on transcript NM_001127222.2 (MANE Select); coding-DNA position 5018, A replaced by G.
Protein change: p.Gln1673Arg; replaces glutamine 1673 with arginine.
Molecular consequence: missense variant.
Genome position (GRCh38, 1-based): chr19:13,235,663, T>C on the plus strand (A>G on the coding strand, the complement: CACNA1A is on the minus strand). VCF-style: chr19-13235663-T-C. GRCh37 (hg19) VCF-style: chr19-13346477-T-C.
Other names: c.5036A>G, p.Gln1679Arg (NM_000068.4, NM_023035.3); c.5021A>G, p.Gln1674Arg (NM_001127221.2); c.5027A>G, p.Gln1676Arg (NM_001174080.2); short protein forms Q1674R, Q1676R, Q1679R, Q1673R.
Identifiers: ClinVar variation 940099 (VCV000940099.10), dbSNP rs2055850287, ClinGen allele CA404336766.

ClinVar aggregate classification (germline): Uncertain significance (1 of 4 stars; one submission).

Conditions:
Developmental and epileptic encephalopathy, 42 (DEE42A). Also called: DEVELOPMENTAL AND EPILEPTIC ENCEPHALOPATHY 42A; EPILEPTIC ENCEPHALOPATHY, EARLY INFANTILE, 42A; Epileptic encephalopathy, early infantile, 42. Identifiers: MedGen C4310716, MONDO:0014917, OMIM 617106.
Episodic ataxia type 2 (EA2). Also called: CEREBELLAR ATAXIA, PAROXYSMAL, ACETAZOLAMIDE-RESPONSIVE; CEREBELLOPATHY, HEREDITARY PAROXYSMAL; EPISODIC ATAXIA, NYSTAGMUS-ASSOCIATED; ACETAZOLAMIDE-RESPONSIVE HEREDITARY PAROXYSMAL CEREBELLAR ATAXIA; ATAXIA, EPISODIC, WITH NYSTAGMUS; ATAXIA, FAMILIAL PAROXYSMAL. Identifiers: Orphanet 97, MedGen C1720416, MONDO:0007163, OMIM 108500.

Submission:

Labcorp Genetics (formerly Invitae), Labcorp
Classification: Uncertain significance for Developmental and epileptic encephalopathy, 42; Episodic ataxia type 2. Last evaluated: 2019-09-15. Review status: criteria provided, single submitter. Criteria: Invitae Variant Classification Sherloc (09022015). Collection method: clinical testing. Allele origin: germline.
Comment: This sequence change replaces glutamine with arginine at codon 1674 of the CACNA1A protein (p.Gln1674Arg). The glutamine residue is highly conserved and there is a small physicochemical difference between glutamine and arginine. This variant is not present in population databases (ExAC no frequency). In summary, the available evidence is currently insufficient to determine the role of this variant in disease. Therefore, it has been classified as a Variant of Uncertain Significance. Algorithms developed to predict the effect of missense changes on protein structure and function (SIFT, PolyPhen-2, Align-GVGD) all suggest that this variant is likely to be disruptive, but these predictions have not been confirmed by published functional studies and their clinical significance is uncertain. This variant has not been reported in the literature in individuals with CACNA1A-related conditions.